The following is an entry in ClinVar:

ClinVar aggregate classification (germline): Likely benign. Review status: criteria provided, multiple submitters, no conflicts (2 of 4 stars). 4 submissions from 4 submitters: Likely benign (2). 2 of the submissions do not count toward it. Last evaluated 2025-09-21.

Conditions:
VPS13B-related disorder. Also called: VPS13B-related condition.
Cohen syndrome (COH1). Also called: Cutis verticis gyrata, retinitis pigmentosa, and sensorineural deafness; PEPPER SYNDROME. Identifiers: Orphanet 193, MedGen C0265223, MONDO:0008999, OMIM 216550.

Allele frequency attached by ClinVar (database versions not stated): gnomAD exomes 0.00001 and 0.00008; gnomAD 0.00003 and 0.00004; TOPMed 0.00003; ExAC 0.00004.
gnomAD v4.1: 24 of 1,613,698 alleles (0.0015%); highest among the groups gnomAD compares: East Asian, 0.047%; no homozygotes.

Submissions (4):

Labcorp Genetics (formerly Invitae), Labcorp
Classification: Likely benign for Cohen syndrome. Last evaluated: 2025-09-21. Review status: criteria provided, single submitter. Criteria: Invitae Variant Classification Sherloc (09022015). Collection method: clinical testing. Allele origin: germline.

Blueprint Genetics
Classification: Likely benign. Last evaluated: 2024-09-10. Review status: criteria provided, single submitter. Criteria: ACMG Guidelines, 2015. Collection method: clinical testing. Allele origin: germline.

PreventionGenetics, part of Exact Sciences
Classification: Likely benign for VPS13B-related condition. Last evaluated: 2024-03-27. Review status: no assertion criteria provided. Collection method: clinical testing. Allele origin: germline. Not counted in ClinVar's aggregate classification.
Comment: This variant is classified as likely benign based on ACMG/AMP sequence variant interpretation guidelines (Richards et al. 2015 PMID: 25741868, with internal and published modifications).

Natera, Inc.
Classification: Uncertain significance for Cohen syndrome. Last evaluated: 2020-03-17. Review status: no assertion criteria provided. Collection method: clinical testing. Allele origin: germline. Not counted in ClinVar's aggregate classification.

NM_152564.5(VPS13B):c.10890T>C (p.Asp3630=)

Gene: VPS13B (vacuolar protein sorting 13 homolog B; plus strand). Cytogenetic location: 8q22.2.
Variant type: single nucleotide variant.
Coding change: c.10890T>C on transcript NM_152564.5 (MANE Select); coding-DNA position 10890, T replaced by C.
Protein change: p.Asp3630=; no amino-acid change (aspartic acid 3630 retained).
Molecular consequence: synonymous variant.
Genome position (GRCh38, 1-based): chr8:99,859,326, T>C. VCF-style: chr8-99859326-T-C. GRCh37 (hg19) VCF-style: chr8-100871554-T-C.
Other names: c.10965T>C, p.Asp3655= (NM_017890.5); c.10890T>C (NM_152564.4).
Identifiers: ClinVar variation 706916 (VCV000706916.13), dbSNP rs773474909, ClinGen allele CA4825060.